The following is an entry in ClinVar:

ClinVar aggregate classification (germline): Uncertain significance (1 of 4 stars; one submission).

Submission:

Mayo Clinic Laboratories, Mayo Clinic
Classification: Uncertain significance. Last evaluated: 2025-12-05. Review status: criteria provided, single submitter. Criteria: ACMG Guidelines, 2015. Collection method: clinical testing. Allele origin: germline. Observed: 1 variant allele.
Comment: BP4_moderate, PM2_supporting

NM_014244.5(ADAMTS2):c.457G>A (p.Gly153Arg)

Gene: ADAMTS2 (ADAM metallopeptidase with thrombospondin type 1 motif 2; minus strand). Cytogenetic location: 5q35.3.
Variant type: single nucleotide variant.
Coding change: c.457G>A on transcript NM_014244.5 (MANE Select); coding-DNA position 457, G replaced by A.
Protein change: p.Gly153Arg; replaces glycine 153 with arginine.
Molecular consequence: missense variant.
Genome position (GRCh38, 1-based): chr5:179,343,844, C>T on the plus strand (G>A on the coding strand, the complement: ADAMTS2 is on the minus strand). VCF-style: chr5-179343844-C-T. GRCh37 (hg19) VCF-style: chr5-178770845-C-T.
Other names: p.Gly153Arg; c.457G>A, p.Gly153Arg (NM_021599.4); short protein forms G153R.
Identifiers: ClinVar variation 4541098 (VCV004541098.1).
Genomic context (GRCh38, chr5:179,343,844, plus strand): 5'-TGAGCGCCACAGAGGAGGCTTCGGCTAGGCCGGCCACGTCTCCGACGTAGAGACAGCTCC[C>T]GAGCAGGGGCTCCACGCGGGTGGTGCCCTTCTCGCCCTGCCACTCCATAGTGGCCCCGGG-3'
Protein context (NP_055059.2, residues 143-163): KGTTRVEPLL[Gly153Arg]SCLYVGDVAG